The following is an entry in ClinVar:

ClinVar aggregate classification (germline): Uncertain significance. Review status: criteria provided, multiple submitters, no conflicts (2 of 4 stars). 2 submissions from 2 submitters: Uncertain significance (2). Last evaluated 2024-09-06.

Allele frequency attached by ClinVar (database versions not stated): TOPMed below 0.00001; gnomAD 0.00001; ExAC 0.00002; gnomAD exomes 0.00004.
gnomAD v4.1: 56 of 1,613,596 alleles (0.0035%); highest among the groups gnomAD compares: Non-Finnish European, 0.0047%; no homozygotes.

Submissions (2):

Blueprint Genetics
Classification: Uncertain significance. Last evaluated: 2024-09-06. Review status: criteria provided, single submitter. Criteria: ACMG Guidelines, 2015. Collection method: clinical testing. Allele origin: germline.

Labcorp Genetics (formerly Invitae), Labcorp
Classification: Uncertain significance. Last evaluated: 2022-07-26. Review status: criteria provided, single submitter. Criteria: Invitae Variant Classification Sherloc (09022015). Collection method: clinical testing. Allele origin: germline.
Comment: This sequence change replaces valine, which is neutral and non-polar, with phenylalanine, which is neutral and non-polar, at codon 3050 of the USH2A protein (p.Val3050Phe). This variant is present in population databases (rs753823548, gnomAD 0.002%). This variant has not been reported in the literature in individuals affected with USH2A-related conditions. Algorithms developed to predict the effect of missense changes on protein structure and function are either unavailable or do not agree on the potential impact of this missense change (SIFT: "Deleterious"; PolyPhen-2: "Probably Damaging"; Align-GVGD: "Class C0"). In summary, the available evidence is currently insufficient to determine the role of this variant in disease. Therefore, it has been classified as a Variant of Uncertain Significance.

NM_206933.4(USH2A):c.9148G>T (p.Val3050Phe)

Gene: USH2A (usherin; minus strand). Cytogenetic location: 1q41.
Variant type: single nucleotide variant.
Coding change: c.9148G>T on transcript NM_206933.4 (MANE Select); coding-DNA position 9148, G replaced by T.
Protein change: p.Val3050Phe; replaces valine 3050 with phenylalanine.
Molecular consequence: missense variant.
Genome position (GRCh38, 1-based): chr1:215,844,404, C>A on the plus strand (G>T on the coding strand, the complement: USH2A is on the minus strand). VCF-style: chr1-215844404-C-A. GRCh37 (hg19) VCF-style: chr1-216017746-C-A.
Other names: short protein forms V3050F.
Identifiers: ClinVar variation 2150629 (VCV002150629.2), dbSNP rs753823548, ClinGen allele CA1394393.
Genomic context (GRCh38, chr1:215,844,404, plus strand): 5'-CAGGCACATTCATTCCAGTCTTGTAGAGCTTATTATTTACATAGATAGAATACTCAGTGA[C>A]AACACCATTTGGGTTTGAAGGAGATGTCCAGATGACACGTACAGCTGTACTGTTGATGAT-3'
Protein context (NP_996816.3, residues 3040-3060): WTSPSNPNGV[Val3050Phe]TEYSIYVNNK